The following is an entry in ClinVar:

ClinVar aggregate classification (germline): Conflicting classifications of pathogenicity. Review status: criteria provided, conflicting classifications (1 of 4 stars). 2 submissions from 2 submitters: Pathogenic (1); Uncertain significance (1). Last evaluated 2026-06-01.

Conditions:
Colorectal cancer, hereditary nonpolyposis, type 7. Identifiers: Orphanet 144, MedGen C1858380, MONDO:0013725, OMIM 614385.

Submissions (2):

Ambry Genetics
Classification: Pathogenic. Last evaluated: 2026-06-01. Review status: criteria provided, single submitter. Criteria: Ambry Variant Classification Scheme 2023. Collection method: clinical testing. Allele origin: germline.
Comment: The c.2154dupC pathogenic mutation, located in coding exon 1 of the MLH3 gene, results from a duplication of C at nucleotide position 2154, causing a translational frameshift with a predicted alternate stop codon (p.W719Lfs*3). This variant is considered to be rare based on population cohorts in the Genome Aggregation Database (gnomAD). This variant is expected to result in loss of function by premature protein truncation or nonsense-mediated mRNA decay. As such, this variant is interpreted as a disease-causing mutation.

Labcorp Genetics (formerly Invitae), Labcorp
Classification: Uncertain significance for Colorectal cancer, hereditary nonpolyposis, type 7. Last evaluated: 2022-05-15. Review status: criteria provided, single submitter. Criteria: Invitae Variant Classification Sherloc (09022015). Collection method: clinical testing. Allele origin: germline.
Comment: In summary, the available evidence is currently insufficient to determine the role of this variant in disease. Therefore, it has been classified as a Variant of Uncertain Significance. This variant has not been reported in the literature in individuals affected with MLH3-related conditions. This variant is present in population databases (no rsID available, gnomAD 0.0009%). This sequence change creates a premature translational stop signal (p.Trp719Leufs*3) in the MLH3 gene. It is expected to result in an absent or disrupted protein product. However, the current clinical and genetic evidence is not sufficient to establish whether loss-of-function variants in MLH3 cause disease.

NM_001040108.2(MLH3):c.2154dup (p.Trp719fs)

Gene: MLH3 (mutL homolog 3; minus strand). Cytogenetic location: 14q24.3.
Variant type: Duplication.
Coding change: c.2154dup on transcript NM_001040108.2 (MANE Select); coding-DNA position 2154, one base duplicated (C; older notation c.2154dupC).
Protein change: p.Trp719fs; shifts the reading frame from tryptophan 719.
Molecular consequence: frameshift variant.
Genome position (GRCh38, 1-based): chr14:75,047,502, G duplicated on the plus strand (C on the coding strand, the reverse complement: MLH3 is on the minus strand); the first of 4 consecutive G bases (chr14:75,047,502-75,047,505); duplicating any one gives the same sequence. VCF-style (leftmost placement, unchanged base first): chr14-75047501-A-AG. GRCh37 (hg19) VCF-style: chr14-75514204-A-AG.
Other names: c.2154dup, p.Trp719fs (NM_014381.3); c.2154dupC (NM_001040108.1); short protein forms W719fs.
Identifiers: ClinVar variation 1786797 (VCV001786797.9), dbSNP rs1471218532, ClinGen allele CA615194123.